The following is an entry in ClinVar:

ClinVar aggregate classification (germline): Uncertain significance (1 of 4 stars; one submission).

Conditions:
Congenital myasthenic syndrome 20. Also called: Myasthenic syndrome, congenital, 20, presynaptic. Identifiers: MedGen C4310694, MONDO:0014939, OMIM 617143.
Neuronopathy, distal hereditary motor, type 7A. Also called: Neuronopathy, distal hereditary motor, type viia; NEURONOPATHY, DISTAL HEREDITARY MOTOR, HARDING TYPE VIIA; NEUROPATHY, DISTAL HEREDITARY MOTOR, HARDING TYPE VIIA; Neuronopathy, distal hereditary motor, autosomal dominant 7; HARPER-YOUNG MYOPATHY; HMN VIIA. Identifiers: Orphanet 139589, MedGen C1834703, MONDO:0008024, OMIM 158580.

gnomAD v4.1: 1 of 1,613,922 alleles (0.000062%); no homozygotes.

Submission:

Labcorp Genetics (formerly Invitae), Labcorp
Classification: Uncertain significance for Neuronopathy, distal hereditary motor, type 7A; Congenital myasthenic syndrome 20. Last evaluated: 2024-06-13. Review status: criteria provided, single submitter. Criteria: Invitae Variant Classification Sherloc (09022015). Collection method: clinical testing. Allele origin: germline.
Comment: This sequence change replaces proline, which is neutral and non-polar, with leucine, which is neutral and non-polar, at codon 458 of the SLC5A7 protein (p.Pro458Leu). This variant is not present in population databases (gnomAD no frequency). This variant has not been reported in the literature in individuals affected with SLC5A7-related conditions. Advanced modeling of protein sequence and biophysical properties (such as structural, functional, and spatial information, amino acid conservation, physicochemical variation, residue mobility, and thermodynamic stability) has been performed at Invitae for this missense variant, however the output from this modeling did not meet the statistical confidence thresholds required to predict the impact of this variant on SLC5A7 protein function. In summary, the available evidence is currently insufficient to determine the role of this variant in disease. Therefore, it has been classified as a Variant of Uncertain Significance.

NM_021815.5(SLC5A7):c.1373C>T (p.Pro458Leu)

Gene: SLC5A7 (solute carrier family 5 member 7; plus strand). Cytogenetic location: 2q12.3.
Variant type: single nucleotide variant.
Coding change: c.1373C>T on transcript NM_021815.5 (MANE Select); coding-DNA position 1373, C replaced by T.
Protein change: p.Pro458Leu; replaces proline 458 with leucine.
Molecular consequence: missense variant.
Genome position (GRCh38, 1-based): chr2:108,010,491, C>T. VCF-style: chr2-108010491-C-T. GRCh37 (hg19) VCF-style: chr2-108626947-C-T.
Other names: c.1373C>T, p.Pro458Leu (NM_001305005.3); c.1058C>T, p.Pro353Leu (NM_001305006.3); c.632C>T, p.Pro211Leu (NM_001305007.3); short protein forms P211L, P353L, P458L.
Identifiers: ClinVar variation 3756824 (VCV003756824.2).